The following is an entry in ClinVar:

Single allele

Gene: LDB2-AS1 (LDB2 antisense RNA 1; plus strand). Cytogenetic location: 4p15.32.
Variant type: Deletion.
Identifiers: ClinVar variation 156909 (VCV000156909.2).

ClinVar aggregate classification (germline): not provided. Review status: no classification provided (0 of 4 stars). 2 submissions from 1 submitter: not provided (2).

Conditions:
Gestational diabetes mellitus uncontrolled. Identifiers: MedGen C3532257.
Small for gestational age. Also called: Low birth weight. Identifiers: MedGen C0235991, HP:0001518.

Submissions (2):

Institute of Molecular and Cell Biology, University of Tartu
No classification provided. Condition: Small for gestational age. Review status: no classification provided. Collection method: case-control. Allele origin: unknown. Affected: yes. Study: Kasak2014.
Comment: The study aimed to determine the contribution of copy number variants in the genetic etiology of normal and complicated pregnancies. The samples represented (i) maternal blood DNA drawn from healthy pregnant women during 1st or 2nd trimester and (ii) maternal and paternal blood DNA drawn at term pregnancy cases representing normal and complicated gestations (severe preeclampsia, PE; gestational diabetes, GD; small-for-gestational age newborn, SGA; large-for-gestational age newborn, LGA). We performed CNV calling based on genome-wide genotyping dataset (Illumina HumanOmniExpress-24-v1 BeadChip) by applying three algorithms, QuantiSNP, GADA (Genome Alteration Detection Algorithm) and CNstream in parallel. The acquired CNV calls were merged with HD-CNV (Hotspot Detector for Copy Number Variants) program and only the CNVs predicted by at least two programs, were considered in subsequent analysis.

Institute of Molecular and Cell Biology, University of Tartu
No classification provided. Condition: Gestational diabetes mellitus uncontrolled. Review status: no classification provided. Collection method: case-control. Allele origin: unknown. Affected: yes. Study: Kasak2014.
Comment: the same text as in the submission from Institute of Molecular and Cell Biology, University of Tartu above.

Literature cited by the submitters: PubMed 25666259.